The following is an entry in ClinVar:

NM_001039141.3(TRIOBP):c.6135C>T (p.Pro2045=)

Gene: TRIOBP (TRIO and F-actin binding protein; plus strand). Cytogenetic location: 22q13.1.
Variant type: single nucleotide variant.
Coding change: c.6135C>T on transcript NM_001039141.3 (MANE Select); coding-DNA position 6135, C replaced by T.
Protein change: p.Pro2045=; no amino-acid change (proline 2045 retained).
Molecular consequence: synonymous variant.
Genome position (GRCh38, 1-based): chr22:37,758,060, C>T. VCF-style: chr22-37758060-C-T. GRCh37 (hg19) VCF-style: chr22-38154067-C-T.
Other names: c.996C>T, p.Pro332= (NM_007032.5, NM_138632.2).
Identifiers: ClinVar variation 43864 (VCV000043864.18), dbSNP rs11546529, ClinGen allele CA133050.

ClinVar aggregate classification (germline): Benign/Likely benign. Review status: criteria provided, multiple submitters, no conflicts (2 of 4 stars). 5 submissions from 5 submitters: Benign (4); Likely benign (1). Last evaluated 2025-12-26.

Allele frequency attached by ClinVar (database versions not stated): ExAC 0.00145; 1000 Genomes Project 0.00399; gnomAD 0.00482 and 0.00524; 1000 Genomes Project 30x 0.00500; ESP Exome Variant Server 0.00520; TOPMed 0.00531.
gnomAD v4.1: 1,431 of 1,611,922 alleles (0.089%); highest among the groups gnomAD compares: African/African-American, 1.8%; 10 homozygotes.

Submissions (5):

Labcorp Genetics (formerly Invitae), Labcorp
Classification: Benign. Last evaluated: 2025-12-26. Review status: criteria provided, single submitter. Criteria: Invitae Variant Classification Sherloc (09022015). Collection method: clinical testing. Allele origin: germline.

Blueprint Genetics
Classification: Likely benign. Last evaluated: 2024-10-16. Review status: criteria provided, single submitter. Criteria: ACMG Guidelines, 2015. Collection method: clinical testing. Allele origin: germline.

GeneDx
Classification: Benign. Last evaluated: 2020-06-11. Review status: criteria provided, single submitter. Criteria: GeneDx Variant Classification Process June 2021. Collection method: clinical testing. Allele origin: germline. Affected: yes.

Laboratory for Molecular Medicine, Mass General Brigham Personalized Medicine
Classification: Benign. Last evaluated: 2012-04-30. Review status: criteria provided, single submitter. Criteria: LMM Criteria. Collection method: clinical testing. Allele origin: germline. Observed: 5 variant alleles.
Comment: Pro2045Pro in Exon 16 of TRIOBP: This variant is not expected to have clinical s ignificance because it does not alter an amino acid residue, is not located with in the splice consensus sequence, and has been identified in 1.5% (57/3692) of A frican American chromosomes from a broad population by the NHLBI Exome Sequencin g Project (dbSNP rs11546529).

Breakthrough Genomics
Classification: Benign. Review status: criteria provided, single submitter. Criteria: ACMG Guidelines, 2015. Collection method: not provided. Allele origin: germline. Inheritance: Autosomal recessive inheritance. Affected: yes.